The following is an entry in ClinVar:

ClinVar aggregate classification (germline): Likely benign (0 of 4 stars; one submission).

Conditions:
DEAF1-related disorder.

Allele frequency attached by ClinVar (database versions not stated): gnomAD 0.00001.
gnomAD v4.1: 2 of 1,168,356 alleles (0.00017%); highest among the groups gnomAD compares: Non-Finnish European, 0.00021%; no homozygotes.

Submission:

PreventionGenetics, part of Exact Sciences
Classification: Likely benign for DEAF1-related condition. Last evaluated: 2020-06-11. Review status: no assertion criteria provided. Collection method: clinical testing. Allele origin: germline.
Comment: This variant is classified as likely benign based on ACMG/AMP sequence variant interpretation guidelines (Richards et al. 2015 PMID: 25741868, with internal and published modifications).

NM_021008.4(DEAF1):c.78G>A (p.Ala26=)

Gene: DEAF1 (DEAF1 transcription factor; minus strand). Cytogenetic location: 11p15.5.
Variant type: single nucleotide variant.
Coding change: c.78G>A on transcript NM_021008.4 (MANE Select); coding-DNA position 78, G replaced by A.
Protein change: p.Ala26=; no amino-acid change (alanine 26 retained).
Molecular consequence: synonymous variant. On other transcripts: intron variant (1).
Genome position (GRCh38, 1-based): chr11:694,970, C>T on the plus strand (G>A on the coding strand, the complement: DEAF1 is on the minus strand). VCF-style: chr11-694970-C-T. GRCh37 (hg19) VCF-style: chr11-694970-C-T.
Other names: c.78G>A, p.Ala26= (NM_001293634.2); c.-437-3372G>A (NM_001367390.1).
Identifiers: ClinVar variation 3044346 (VCV003044346.2), dbSNP rs769299507, ClinGen allele CA472437920.
Genomic context (GRCh38, chr11:694,970, plus strand): 5'-CTCGTCCCTGCTCAGCACCGGCTCCTCCGCCTCGCCTCCTGCCGCGGCCGCGGCCGCCGC[C>T]GCCACAGCGGCCGCGGCCGCCACCGCCGCCGCCTCAGCCAGGCCCAGCTGCTTTGCCGCC-3'
Protein context (NP_066288.2, residues 16-36): AAAVAAAAAV[Ala26=]AAAAAAAGGE